The following is an entry in ClinVar:

NM_006231.4(POLE):c.5156C>G (p.Ser1719Ter)

Gene: POLE (DNA polymerase epsilon, catalytic subunit; minus strand). Cytogenetic location: 12q24.33.
Variant type: single nucleotide variant.
Coding change: c.5156C>G on transcript NM_006231.4 (MANE Select); coding-DNA position 5156, C replaced by G.
Protein change: p.Ser1719Ter; replaces serine 1719 with a stop codon.
Molecular consequence: nonsense.
Genome position (GRCh38, 1-based): chr12:132,642,194, G>C on the plus strand (C>G on the coding strand, the complement: POLE is on the minus strand). VCF-style: chr12-132642194-G-C. GRCh37 (hg19) VCF-style: chr12-133218780-G-C.
Other names: c.5156C>G (NM_006231.2); short protein forms S1719*.
Identifiers: ClinVar variation 860791 (VCV000860791.8), dbSNP rs1178713176, ClinGen allele CA387376667.

ClinVar aggregate classification (germline): Conflicting classifications of pathogenicity. Review status: criteria provided, conflicting classifications (1 of 4 stars). 2 submissions from 2 submitters: Pathogenic (1); Uncertain significance (1). Last evaluated 2025-11-10.

Conditions:
Hereditary cancer-predisposing syndrome. Also called: Tumor predisposition; Hereditary neoplastic syndrome; Neoplastic Syndromes, Hereditary; Hereditary Cancer Syndrome. Identifiers: Orphanet 140162, MedGen C0027672, MeSH D009386, MONDO:0015356.

Submissions (2):

Ambry Genetics
Classification: Uncertain significance for Hereditary cancer-predisposing syndrome. Last evaluated: 2025-11-10. Review status: criteria provided, single submitter. Criteria: Ambry Variant Classification Scheme 2023. Collection method: clinical testing. Allele origin: germline.
Comment: The p.S1719* variant (also known as c.5156C>G), located in coding exon 38 of the POLE gene, results from a C to G substitution at nucleotide position 5156. This changes the amino acid from a serine to a stop codon within coding exon 38. This alteration is expected to result in loss of function by premature protein truncation or nonsense-mediated mRNA decay. Although biallelic loss of function of POLE has been associated with autosomal recessive POLE deficiency, haploinsufficiency of POLE has not been established as a mechanism of disease for POLE-related polymerase proofreading-associated polyposis (PPAP) and POLE-related CMMRD-like syndrome. Based on the supporting evidence, this variant is expected to be causative of POLE deficiency when present along with a second pathogenic variant on the other allele; however, its clinical significance for PPAP and POLE-related CMMRD-like syndrome is unclear.

Labcorp Genetics (formerly Invitae), Labcorp
Classification: Pathogenic. Last evaluated: 2023-03-16. Review status: criteria provided, single submitter. Criteria: Invitae Variant Classification Sherloc (09022015). Collection method: clinical testing. Allele origin: germline.
Comment: This sequence change creates a premature translational stop signal (p.Ser1719*) in the POLE gene. It is expected to result in an absent or disrupted protein product. Loss-of-function variants in POLE are known to be pathogenic (PMID: 23230001, 25948378, 30503519). This variant is not present in population databases (gnomAD no frequency). This variant has not been reported in the literature in individuals affected with POLE-related conditions. ClinVar contains an entry for this variant (Variation ID: 860791). For these reasons, this variant has been classified as Pathogenic.

Literature cited by the submitters: PubMed 23230001 (cited by Labcorp Genetics (formerly Invitae), Labcorp); PubMed 25948378 (cited by Labcorp Genetics (formerly Invitae), Labcorp); PubMed 30503519 (cited by Labcorp Genetics (formerly Invitae), Labcorp).